The following is an entry in ClinVar:

ClinVar aggregate classification (germline): Conflicting classifications of pathogenicity. Review status: criteria provided, conflicting classifications (1 of 4 stars). 2 submissions from 2 submitters: Uncertain significance (1); Likely benign (1). Last evaluated 2025-10-27.

Conditions:
Hereditary cancer-predisposing syndrome. Also called: Neoplastic Syndromes, Hereditary; Hereditary Cancer Syndrome; Tumor predisposition; Hereditary neoplastic syndrome. Identifiers: Orphanet 140162, MedGen C0027672, MeSH D009386, MONDO:0015356.
Multiple endocrine neoplasia, type 2 (MEN2). Identifiers: Orphanet 653, MedGen C4048306, MONDO:0019003. Disease mechanism: gain of function.

Submissions (2):

Ambry Genetics
Classification: Likely benign for Hereditary cancer-predisposing syndrome. Last evaluated: 2025-10-27. Review status: criteria provided, single submitter. Criteria: Ambry Variant Classification Scheme 2023. Collection method: clinical testing. Allele origin: germline.

Labcorp Genetics (formerly Invitae), Labcorp
Classification: Uncertain significance for Multiple endocrine neoplasia, type 2. Last evaluated: 2024-07-29. Review status: criteria provided, single submitter. Criteria: Invitae Variant Classification Sherloc (09022015). Collection method: clinical testing. Allele origin: germline.
Comment: This sequence change replaces methionine, which is neutral and non-polar, with leucine, which is neutral and non-polar, at codon 484 of the RET protein (p.Met484Leu). This variant is not present in population databases (gnomAD no frequency). This variant has not been reported in the literature in individuals affected with RET-related conditions. ClinVar contains an entry for this variant (Variation ID: 971648). An algorithm developed to predict the effect of missense changes on protein structure and function outputs the following: PolyPhen-2: "Benign". The leucine amino acid residue is found in multiple mammalian species, which suggests that this missense change does not adversely affect protein function. In summary, the available evidence is currently insufficient to determine the role of this variant in disease. Therefore, it has been classified as a Variant of Uncertain Significance.

NM_020975.6(RET):c.1450A>C (p.Met484Leu)

Gene: RET (ret proto-oncogene; plus strand). Cytogenetic location: 10q11.21.
Variant type: single nucleotide variant.
Coding change: c.1450A>C on transcript NM_020975.6 (MANE Select); coding-DNA position 1450, A replaced by C.
Protein change: p.Met484Leu; replaces methionine 484 with leucine.
Molecular consequence: missense variant.
Genome position (GRCh38, 1-based): chr10:43,111,393, A>C. VCF-style: chr10-43111393-A-C. GRCh37 (hg19) VCF-style: chr10-43606841-A-C.
Other names: c.1450A>C, p.Met484Leu (NM_000323.2, NM_001406743.1, NM_001406744.1 and 6 more transcripts); c.688A>C, p.Met230Leu (NM_001355216.2); c.1321A>C, p.Met441Leu (NM_001406761.1, NM_001406762.1, NM_001406764.1 and 1 more transcripts); c.1162A>C, p.Met388Leu (NM_001406766.1, NM_001406767.1, NM_001406770.1); c.1054A>C, p.Met352Leu (NM_001406769.1, NM_001406772.1); c.1012A>C, p.Met338Leu (NM_001406771.1, NM_001406773.1); c.925A>C, p.Met309Leu (NM_001406774.1); c.724A>C, p.Met242Leu (NM_001406775.1, NM_001406776.1, NM_001406777.1 and 1 more transcripts); and 1 more; short protein forms M230L, M484L, M154L, M352L, M441L, M242L, M309L, M338L.
Identifiers: ClinVar variation 971648 (VCV000971648.12), dbSNP rs755660496, ClinGen allele CA376549680.